The following is an entry in ClinVar:

NM_201384.3(PLEC):c.12598G>A (p.Gly4200Arg)

Gene: PLEC (plectin; minus strand). Cytogenetic location: 8q24.3.
Variant type: single nucleotide variant.
Coding change: c.12598G>A on transcript NM_201384.3 (MANE Select); coding-DNA position 12598, G replaced by A.
Protein change: p.Gly4200Arg; replaces glycine 4200 with arginine.
Molecular consequence: missense variant.
Genome position (GRCh38, 1-based): chr8:143,917,223, C>T on the plus strand (G>A on the coding strand, the complement: PLEC is on the minus strand). VCF-style: chr8-143917223-C-T. GRCh37 (hg19) VCF-style: chr8-144991391-C-T.
Other names: c.12679G>A, p.Gly4227Arg (NM_000445.5); c.9298G>A, p.Gly3100Arg (NM_001410941.1); c.12556G>A, p.Gly4186Arg (NM_201378.4); c.12532G>A, p.Gly4178Arg (NM_201379.3); c.13009G>A, p.Gly4337Arg (NM_201380.4); c.12502G>A, p.Gly4168Arg (NM_201381.3); c.12598G>A, p.Gly4200Arg (NM_201382.4); c.12610G>A, p.Gly4204Arg (NM_201383.3); short protein forms G4178R, G4227R, G4168R, G4186R, G4204R, G4337R, G3100R, G4200R.
Identifiers: ClinVar variation 2938433 (VCV002938433.3), dbSNP rs782208179, ClinGen allele CA187607079.
Genomic context (GRCh38, chr8:143,917,223, plus strand): 5'-CCAGTGCCGAGCGGTCGATGAGGTTCTTGGCGATGGCATCATCGATGTCGTACTGGCGCC[C>T]GGAGCGGCGGTCGATGATCATGGACTTGACCACGCCGTCCGAGGAGGAGATGGTGATCTC-3'
Protein context (NP_958786.1, residues 4190-4210): VKSMIIDRRS[Gly4200Arg]RQYDIDDAIA

ClinVar aggregate classification (germline): Uncertain significance (1 of 4 stars; one submission).

Conditions:
Epidermolysis bullosa simplex with nail dystrophy (EBS5D). Identifiers: MedGen C4225309, MONDO:0014661, OMIM 616487.
Epidermolysis bullosa simplex 5C, with pyloric atresia (EBS5C). Also called: PLEC-Related Epidermolysis Bullosa with Pyloric Atresia; Epidermolysis bullosa simplex with pyloric atresia; PLEC1-Related Epidermolysis Bullosa with Pyloric Atresia. Identifiers: Orphanet 158684, MedGen C2677349, MONDO:0012807, OMIM 612138.
Autosomal recessive limb-girdle muscular dystrophy type 2Q (LGMDR17). Also called: MUSCULAR DYSTROPHY, LIMB-GIRDLE, AUTOSOMAL RECESSIVE 17. Identifiers: Orphanet 254361, MedGen C3150989, MONDO:0013390, OMIM 613723.
Epidermolysis bullosa simplex, Ogna type (EBS5A). Also called: Pidermolysis bullosa simplex 5A, Ogna type; EPIDERMOLYSIS BULLOSA SIMPLEX 5A, OGNA TYPE. Identifiers: Orphanet 79401, MedGen C0432317, MONDO:0007555, OMIM 131950.
Epidermolysis bullosa simplex 5B, with muscular dystrophy (EBS5B). Also called: EPIDERMOLYSIS BULLOSA SIMPLEX AND LIMB-GIRDLE MUSCULAR DYSTROPHY; Epidermolysis bullosa simplex with muscular dystrophy. Identifiers: Orphanet 257, MedGen C2931072, MONDO:0009181, OMIM 226670.

Allele frequency attached by ClinVar (database versions not stated): gnomAD exomes below 0.00001.
gnomAD v4.1: 2 of 1,612,934 alleles (0.00012%); highest among the groups gnomAD compares: Admixed American, 0.0017%; no homozygotes.

Submission:

Labcorp Genetics (formerly Invitae), Labcorp
Classification: Uncertain significance for Autosomal recessive limb-girdle muscular dystrophy type 2Q; Epidermolysis bullosa simplex, Ogna type; Epidermolysis bullosa simplex with nail dystrophy; Epidermolysis bullosa simplex 5C, with pyloric atresia; Epidermolysis bullosa simplex 5B, with muscular dystrophy. Last evaluated: 2023-04-28. Review status: criteria provided, single submitter. Criteria: Invitae Variant Classification Sherloc (09022015). Collection method: clinical testing. Allele origin: germline.
Comment: This variant is present in population databases (rs782208179, gnomAD 0.003%). This sequence change replaces glycine, which is neutral and non-polar, with arginine, which is basic and polar, at codon 4227 of the PLEC protein (p.Gly4227Arg). This variant has not been reported in the literature in individuals affected with PLEC-related conditions. In summary, the available evidence is currently insufficient to determine the role of this variant in disease. Therefore, it has been classified as a Variant of Uncertain Significance. Advanced modeling of protein sequence and biophysical properties (such as structural, functional, and spatial information, amino acid conservation, physicochemical variation, residue mobility, and thermodynamic stability) has been performed at Invitae for this missense variant, however the output from this modeling did not meet the statistical confidence thresholds required to predict the impact of this variant on PLEC protein function.